The following is an entry in ClinVar:

ClinVar aggregate classification (germline): Uncertain significance (1 of 4 stars; one submission).

Conditions:
Hypertrophic cardiomyopathy. Also called: HYPERTROPHIC MYOCARDIOPATHY. Identifiers: Orphanet 217569, MedGen C0007194, MeSH D002312, MONDO:0005045, HP:0001639.

Allele frequency attached by ClinVar (database versions not stated): gnomAD exomes below 0.00001.
gnomAD v4.1: 1 of 1,613,302 alleles (0.000062%); highest among the groups gnomAD compares: Non-Finnish European, 0.000085%; no homozygotes.

Submission:

Labcorp Genetics (formerly Invitae), Labcorp
Classification: Uncertain significance for Hypertrophic cardiomyopathy. Last evaluated: 2021-10-06. Review status: criteria provided, single submitter. Criteria: Invitae Variant Classification Sherloc (09022015). Collection method: clinical testing. Allele origin: germline.
Comment: This variant is not present in population databases (ExAC no frequency). In summary, the available evidence is currently insufficient to determine the role of this variant in disease. Therefore, it has been classified as a Variant of Uncertain Significance. Algorithms developed to predict the effect of missense changes on protein structure and function are either unavailable or do not agree on the potential impact of this missense change (SIFT: "Tolerated"; PolyPhen-2: "Probably Damaging"; Align-GVGD: "Class C0"). This variant has not been reported in the literature in individuals affected with TPM1-related conditions. This sequence change replaces glutamine with arginine at codon 9 of the TPM1 protein (p.Gln9Arg). The glutamine residue is moderately conserved and there is a small physicochemical difference between glutamine and arginine.

NM_001018005.2(TPM1):c.26A>G (p.Gln9Arg)

Gene: TPM1 (tropomyosin 1; plus strand). Cytogenetic location: 15q22.2.
Variant type: single nucleotide variant.
Coding change: c.26A>G on transcript NM_001018005.2 (MANE Select); coding-DNA position 26, A replaced by G.
Protein change: p.Gln9Arg; replaces glutamine 9 with arginine.
Molecular consequence: missense variant.
Genome position (GRCh38, 1-based): chr15:63,042,855, A>G. VCF-style: chr15-63042855-A-G. GRCh37 (hg19) VCF-style: chr15-63335054-A-G.
Other names: c.26A>G, p.Gln9Arg (NM_000366.6, NM_001018004.2, NM_001018006.2 and 7 more transcripts); short protein forms Q9R.
Identifiers: ClinVar variation 941975 (VCV000941975.7), dbSNP rs1555402931, ClinGen allele CA392717970.